The following is an entry in ClinVar:

ClinVar aggregate classification (germline): Uncertain significance (1 of 4 stars; one submission).

Conditions:
Hereditary sensory neuropathy-deafness-dementia syndrome. Also called: Hereditary sensory neuropathy type IE; Hereditary Sensory and Autonomic Neuropathy Type 1E (HSAN1E); NEUROPATHY, HEREDITARY SENSORY, WITH HEARING LOSS AND DEMENTIA; HSN IE. Identifiers: Orphanet 456318, MedGen C3279885, MONDO:0013584, OMIM 614116.

Submission:

Labcorp Genetics (formerly Invitae), Labcorp
Classification: Uncertain significance for Hereditary sensory neuropathy-deafness-dementia syndrome. Last evaluated: 2021-09-04. Review status: criteria provided, single submitter. Criteria: Invitae Variant Classification Sherloc (09022015). Collection method: clinical testing. Allele origin: germline.
Comment: In summary, the available evidence is currently insufficient to determine the role of this variant in disease. Therefore, it has been classified as a Variant of Uncertain Significance. Algorithms developed to predict the effect of missense changes on protein structure and function are either unavailable or do not agree on the potential impact of this missense change (SIFT: "Deleterious"; PolyPhen-2: "Probably Damaging"; Align-GVGD: "Class C0"). This variant has not been reported in the literature in individuals affected with DNMT1-related conditions. This variant is not present in population databases (ExAC no frequency). This sequence change replaces proline with alanine at codon 21 of the DNMT1 protein (p.Pro21Ala). The proline residue is moderately conserved and there is a small physicochemical difference between proline and alanine.

NM_001130823.3(DNMT1):c.61C>G (p.Pro21Ala)

Genes: DNMT1 (DNA methyltransferase 1; minus strand), LOC130063472 (ATAC-STARR-seq lymphoblastoid silent region 10057; plus strand). Cytogenetic location: 19p13.2.
Variant type: single nucleotide variant.
Coding change: c.61C>G on transcript NM_001130823.3 (MANE Select); coding-DNA position 61, C replaced by G.
Protein change: p.Pro21Ala; replaces proline 21 with alanine.
Molecular consequence: missense variant. On other transcripts: 5 prime UTR variant (1).
Genome position (GRCh38, 1-based): chr19:10,194,839, G>C on the plus strand (C>G on the coding strand, the complement: DNMT1 is on the minus strand). VCF-style: chr19-10194839-G-C. GRCh37 (hg19) VCF-style: chr19-10305515-G-C.
Other names: c.61C>G, p.Pro21Ala (NM_001318730.2, NM_001379.4); c.-263C>G (NM_001318731.2); short protein forms P21A.
Identifiers: ClinVar variation 1461083 (VCV001461083.6), dbSNP rs2145417655, ClinGen allele CA403950179.
Genomic context (GRCh38, chr19:10,194,839, plus strand): 5'-GCCTGTCCCCCTGAGTCCGTGTTCCCCCCCATGGTACCTACCGCCTGCGGACATCGTCGG[G>C]CAGCGAGATGGCCGGGACGGCCAGTGTGGGCACCCGGGCTGGGGCGGTACGCGCCGGCAT-3'
Protein context (NP_001124295.1, residues 11-31): PTLAVPAISL[Pro21Ala]DDVRRRLKDL